The following is an entry in ClinVar:

ClinVar aggregate classification (germline): Pathogenic (1 of 4 stars; one submission).

Conditions:
Hereditary breast ovarian cancer syndrome. Also called: Hereditary breast and/or ovarian cancer syndrome; Hereditary breast and ovarian cancer syndrome (HBOC); Breast and ovarian cancer; Hereditary breast and ovarian cancer; BRCA1- and BRCA2-Associated Hereditary Breast and Ovarian Cancer; Hereditary breast and ovarian cancer syndrome. Identifiers: Orphanet 145, MedGen C0677776, MeSH D061325, MONDO:0003582. Disease mechanism: loss of function.

Submission:

Labcorp Genetics (formerly Invitae), Labcorp
Classification: Pathogenic for Hereditary breast and ovarian cancer syndrome. Last evaluated: 2019-10-28. Review status: criteria provided, single submitter. Criteria: Invitae Variant Classification Sherloc (09022015). Collection method: clinical testing. Allele origin: germline.
Comment: This variant is a gross deletion of the genomic region encompassing exon 23 of the BRCA1 gene. The 5' boundary is likely confined to intron 22. The 3' end of this event is unknown as it extends through the termination codon beyond the assayed region for this gene and may encompass additional genes. While this deletion is not anticipated to result in nonsense mediated decay, it is expected to create a truncated protein product or disrupt mRNA translation. Deletions of exon 23 have been reported in individuals with a personal or family history of breast and ovarian cancer (PMID: 24825132, 25428789, 18431737). A deletion of exon 23 is also known as a deletion of exon 24 in the literature. This deletion is expected to partially remove the C-terminal BRCT domain of the BRCA1 protein, which is important for DNA repair activity (PMID: 14576433, 15133503). A different deleterious variant (p.Tyr1853*) within the deleted sequence of this variant has been shown to disrupt BRCA1 protein function (PMID: 8942979, 20681793, 10811118, 11256609, 17308087), suggesting that although this particular variant may not result in nonsense mediated decay, it is expected to affect BRCA1 protein function. For these reasons, this variant has been classified as Pathogenic.

Literature cited by the submitters: PubMed 17308087; PubMed 15133503; PubMed 24825132; PubMed 8942979; PubMed 11256609; PubMed 18431737; PubMed 10811118; PubMed 20681793; PubMed 14576433; PubMed 25428789.

NC_000017.11:g.(?_43044878)_(43045822_?)del

Gene: BRCA1 (BRCA1 DNA repair associated; minus strand). Cytogenetic location: 17q21.31.
Variant type: Deletion.
Identifiers: ClinVar variation 831723 (VCV000831723.1).